The following is an entry in ClinVar:

ClinVar aggregate classification (germline): Conflicting classifications of pathogenicity. Review status: criteria provided, conflicting classifications (1 of 4 stars). 4 submissions from 4 submitters: Uncertain significance (2); Benign (1); Likely benign (1). Last evaluated 2025-02-11.

Conditions:
Inborn genetic diseases. Identifiers: MedGen C0950123, MeSH D030342.
Focal segmental glomerulosclerosis 5 (FSGS5). Identifiers: Orphanet 656, MedGen C2750475, MONDO:0013191, OMIM 613237.
Charcot-Marie-Tooth disease dominant intermediate E. Also called: CHARCOT-MARIE-TOOTH NEUROPATHY WITH FOCAL SEGMENTAL GLOMERULONEPHRITIS. Identifiers: Orphanet 93114, MedGen C4302667, MONDO:0013758, OMIM 614455.

Allele frequency attached by ClinVar (database versions not stated): ExAC 0.00001; gnomAD exomes 0.00001 and 0.00002; gnomAD 0.00002; TOPMed 0.00002.
gnomAD v4.1: 28 of 1,605,622 alleles (0.0017%); highest among the groups gnomAD compares: African/African-American, 0.0027%; no homozygotes.

Submissions (4):

Labcorp Genetics (formerly Invitae), Labcorp
Classification: Benign for Charcot-Marie-Tooth disease dominant intermediate E; Focal segmental glomerulosclerosis 5. Last evaluated: 2025-02-11. Review status: criteria provided, single submitter. Criteria: Invitae Variant Classification Sherloc (09022015). Collection method: clinical testing. Allele origin: germline.

Fulgent Genetics
Classification: Uncertain significance for Focal segmental glomerulosclerosis 5; Charcot-Marie-Tooth disease dominant intermediate E. Last evaluated: 2024-01-11. Review status: criteria provided, single submitter. Criteria: ACMG Guidelines, 2015. Collection method: clinical testing. Allele origin: germline.

Ambry Genetics
Classification: Uncertain significance for Inborn genetic diseases. Last evaluated: 2022-07-19. Review status: criteria provided, single submitter. Criteria: Ambry Variant Classification Scheme 2023. Collection method: clinical testing. Allele origin: germline.
Comment: The p.V539M variant (also known as c.1615G>A), located in coding exon 7 of the INF2 gene, results from a G to A substitution at nucleotide position 1615. The valine at codon 539 is replaced by methionine, an amino acid with highly similar properties. This amino acid position is well conserved in available vertebrate species. In addition, this alteration is predicted to be tolerated by in silico analysis. Since supporting evidence is limited at this time, the clinical significance of this alteration remains unclear.

GeneDx
Classification: Likely benign. Last evaluated: 2021-06-17. Review status: criteria provided, single submitter. Criteria: GeneDx Variant Classification Process June 2021. Collection method: clinical testing. Allele origin: germline. Affected: yes.

NM_022489.4(INF2):c.1615G>A (p.Val539Met)

Gene: INF2 (inverted formin 2; plus strand). Cytogenetic location: 14q32.33.
Variant type: single nucleotide variant.
Coding change: c.1615G>A on transcript NM_022489.4 (MANE Select); coding-DNA position 1615, G replaced by A.
Protein change: p.Val539Met; replaces valine 539 with methionine.
Molecular consequence: missense variant.
Genome position (GRCh38, 1-based): chr14:104,707,882, G>A. VCF-style: chr14-104707882-G-A. GRCh37 (hg19) VCF-style: chr14-105174219-G-A.
Other names: c.1615G>A, p.Val539Met (NM_001031714.4); short protein forms V539M.
Identifiers: ClinVar variation 1201695 (VCV001201695.12), dbSNP rs769014945, ClinGen allele CA7372609.